The following is an entry in ClinVar:

NM_021267.5(CERS1):c.319C>G (p.Leu107Val)

Genes: GDF1 (growth differentiation factor 1; minus strand), CERS1 (ceramide synthase 1; minus strand). Cytogenetic location: 19p13.11.
Variant type: single nucleotide variant.
Coding change: c.319C>G on transcript NM_021267.5 (MANE Select); coding-DNA position 319, C replaced by G.
Protein change: p.Leu107Val; replaces leucine 107 with valine.
Molecular consequence: missense variant. On other transcripts: 5 prime UTR variant (2).
Genome position (GRCh38, 1-based): chr19:18,893,506, G>C on the plus strand (C>G on the coding strand, the complement: CERS1 is on the minus strand). VCF-style: chr19-18893506-G-C. GRCh37 (hg19) VCF-style: chr19-19004315-G-C.
Other names: c.25C>G, p.Leu9Val (NM_001290265.2, NM_001387442.1, NM_001387443.1 and 2 more transcripts); c.319C>G, p.Leu107Val (NM_001387439.1, NM_001387440.1, NM_001387441.1 and 1 more transcripts); c.-584C>G (NM_001387438.1); c.-1004C>G (NM_001492.6); short protein forms L107V, L9V.
Identifiers: ClinVar variation 1441362 (VCV001441362.8), dbSNP rs1039358825, ClinGen allele CA404868038.

ClinVar aggregate classification (germline): Uncertain significance (1 of 4 stars; one submission).

Conditions:
Progressive myoclonic epilepsy type 8. Identifiers: Orphanet 424027, MedGen C5190825, MONDO:0014545, OMIM 616230.

Allele frequency attached by ClinVar (database versions not stated): gnomAD exomes below 0.00001.
gnomAD v4.1: 1 of 1,610,302 alleles (0.000062%); highest among the groups gnomAD compares: Admixed American, 0.0017%; no homozygotes.

Submission:

Labcorp Genetics (formerly Invitae), Labcorp
Classification: Uncertain significance for Progressive myoclonic epilepsy type 8. Last evaluated: 2022-06-17. Review status: criteria provided, single submitter. Criteria: Invitae Variant Classification Sherloc (09022015). Collection method: clinical testing. Allele origin: germline.
Comment: In summary, the available evidence is currently insufficient to determine the role of this variant in disease. Therefore, it has been classified as a Variant of Uncertain Significance. Algorithms developed to predict the effect of missense changes on protein structure and function (SIFT, PolyPhen-2, Align-GVGD) all suggest that this variant is likely to be tolerated. This variant has not been reported in the literature in individuals affected with CERS1-related conditions. This variant is present in population databases (no rsID available, gnomAD 0.003%). This sequence change replaces leucine, which is neutral and non-polar, with valine, which is neutral and non-polar, at codon 107 of the CERS1 protein (p.Leu107Val).